The following is an entry in ClinVar:

ClinVar aggregate classification (germline): Benign/Likely benign. Review status: criteria provided, multiple submitters, no conflicts (2 of 4 stars). 8 submissions from 8 submitters: Benign (3); Likely benign (5). Last evaluated 2026-04-15.

Conditions:
Ehlers-Danlos syndrome (EDS). Identifiers: Orphanet 98249, MedGen C0013720, MONDO:0020066.
Ehlers-Danlos syndrome, dermatosparaxis type. Also called: Ehlers-Danlos syndrome, type VII, autosomal recessive; Dermatosparaxis; EDS VIIC. Identifiers: Orphanet 1901, MedGen C2700425, MONDO:0009161, OMIM 225410.

Allele frequency attached by ClinVar (database versions not stated): ESP Exome Variant Server 0.00023; gnomAD 0.00063 and 0.00078; TOPMed 0.00079; 1000 Genomes Project 30x 0.00265; 1000 Genomes Project 0.00319.
gnomAD v4.1: 936 of 1,613,324 alleles (0.058%); highest among the groups gnomAD compares: East Asian, 0.98%; 4 homozygotes.

Submissions (8):

Women's Health and Genetics/Laboratory Corporation of America, LabCorp
Classification: Likely benign. Last evaluated: 2026-04-15. Review status: criteria provided, single submitter. Criteria: LabCorp Variant Classification Summary - May 2015. Collection method: clinical testing. Allele origin: germline.

CeGaT Center for Human Genetics Tuebingen
Classification: Likely benign. Last evaluated: 2026-02-01. Review status: criteria provided, single submitter. Criteria: CeGaT Center For Human Genetics Tuebingen Variant Classification Criteria Version 2. Collection method: clinical testing. Allele origin: germline. Affected: yes. Observed: 2 variant alleles.
Comment: ADAMTS2: BP4

Labcorp Genetics (formerly Invitae), Labcorp
Classification: Benign for Ehlers-Danlos syndrome, dermatosparaxis type. Last evaluated: 2026-01-28. Review status: criteria provided, single submitter. Criteria: Invitae Variant Classification Sherloc (09022015). Collection method: clinical testing. Allele origin: germline.

Blueprint Genetics
Classification: Likely benign. Last evaluated: 2024-11-18. Review status: criteria provided, single submitter. Criteria: ACMG Guidelines, 2015. Collection method: clinical testing. Allele origin: germline.

Mayo Clinic Laboratories, Mayo Clinic
Classification: Benign. Last evaluated: 2024-07-16. Review status: criteria provided, single submitter. Criteria: ACMG Guidelines, 2015. Collection method: clinical testing. Allele origin: germline. Observed: 5 variant alleles.
Comment: BS1, BS2, BP4

Genome Diagnostics Laboratory, The Hospital for Sick Children
Classification: Likely benign for Ehlers-Danlos syndrome. Last evaluated: 2022-05-31. Review status: criteria provided, single submitter. Criteria: ACMG Guidelines, 2015. Collection method: clinical testing. Allele origin: germline.

GeneDx
Classification: Likely benign. Last evaluated: 2021-02-04. Review status: criteria provided, single submitter. Criteria: GeneDx Variant Classification Process June 2021. Collection method: clinical testing. Allele origin: germline. Affected: yes.

Illumina Laboratory Services, Illumina
Classification: Benign for Ehlers-Danlos syndrome, dermatosparaxis type. Last evaluated: 2018-01-13. Review status: criteria provided, single submitter. Criteria: ICSL Variant Classification Criteria 13 December 2019. Collection method: clinical testing. Allele origin: germline.
Comment: This variant was observed in the ICSL laboratory as part of a predisposition screen in an ostensibly healthy population. It had not been previously curated by ICSL or reported in the Human Gene Mutation Database (HGMD: prior to June 1st, 2018), and was therefore a candidate for classification through an automated scoring system. Utilizing variant allele frequency, disease prevalence and penetrance estimates, and inheritance mode, an automated score was calculated to assess if this variant is too frequent to cause the disease. Based on the score and internal cut-off values, a variant classified as benign is not then subjected to further curation. The score for this variant resulted in a classification of benign for this disease.

NM_014244.5(ADAMTS2):c.596C>T (p.Ala199Val)

Gene: ADAMTS2 (ADAM metallopeptidase with thrombospondin type 1 motif 2; minus strand). Cytogenetic location: 5q35.3.
Variant type: single nucleotide variant.
Coding change: c.596C>T on transcript NM_014244.5 (MANE Select); coding-DNA position 596, C replaced by T.
Protein change: p.Ala199Val; replaces alanine 199 with valine.
Molecular consequence: missense variant.
Genome position (GRCh38, 1-based): chr5:179,273,003, G>A on the plus strand (C>T on the coding strand, the complement: ADAMTS2 is on the minus strand). VCF-style: chr5-179273003-G-A. GRCh37 (hg19) VCF-style: chr5-178700004-G-A.
Other names: p.Ala199Val; c.596C>T, p.Ala199Val (NM_021599.4); short protein forms A199V.
Identifiers: ClinVar variation 469678 (VCV000469678.31), dbSNP rs76704342, ClinGen allele CA3596260.